The following is an entry in ClinVar:

ClinVar aggregate classification (germline): Uncertain significance (1 of 4 stars; one submission).

Conditions:
Epidermolysis bullosa simplex 5C, with pyloric atresia (EBS5C). Also called: PLEC1-Related Epidermolysis Bullosa with Pyloric Atresia; Epidermolysis bullosa simplex with pyloric atresia; PLEC-Related Epidermolysis Bullosa with Pyloric Atresia. Identifiers: Orphanet 158684, MedGen C2677349, MONDO:0012807, OMIM 612138.
Epidermolysis bullosa simplex with nail dystrophy (EBS5D). Identifiers: MedGen C4225309, MONDO:0014661, OMIM 616487.
Epidermolysis bullosa simplex 5B, with muscular dystrophy (EBS5B). Also called: EPIDERMOLYSIS BULLOSA SIMPLEX AND LIMB-GIRDLE MUSCULAR DYSTROPHY; Epidermolysis bullosa simplex with muscular dystrophy. Identifiers: Orphanet 257, MedGen C2931072, MONDO:0009181, OMIM 226670.
Epidermolysis bullosa simplex, Ogna type (EBS5A). Also called: Pidermolysis bullosa simplex 5A, Ogna type; EPIDERMOLYSIS BULLOSA SIMPLEX 5A, OGNA TYPE. Identifiers: Orphanet 79401, MedGen C0432317, MONDO:0007555, OMIM 131950.
Autosomal recessive limb-girdle muscular dystrophy type 2Q (LGMDR17). Also called: MUSCULAR DYSTROPHY, LIMB-GIRDLE, AUTOSOMAL RECESSIVE 17. Identifiers: Orphanet 254361, MedGen C3150989, MONDO:0013390, OMIM 613723.

Submission:

Labcorp Genetics (formerly Invitae), Labcorp
Classification: Uncertain significance for Autosomal recessive limb-girdle muscular dystrophy type 2Q; Epidermolysis bullosa simplex, Ogna type; Epidermolysis bullosa simplex with nail dystrophy; Epidermolysis bullosa simplex 5C, with pyloric atresia; Epidermolysis bullosa simplex 5B, with muscular dystrophy. Last evaluated: 2019-12-18. Review status: criteria provided, single submitter. Criteria: Invitae Variant Classification Sherloc (09022015). Collection method: clinical testing. Allele origin: germline.
Comment: In summary, the available evidence is currently insufficient to determine the role of this variant in disease. Therefore, it has been classified as a Variant of Uncertain Significance. Algorithms developed to predict the effect of missense changes on protein structure and function (SIFT, PolyPhen-2, Align-GVGD) all suggest that this variant is likely to be disruptive, but these predictions have not been confirmed by published functional studies and their clinical significance is uncertain. This variant has not been reported in the literature in individuals with PLEC-related conditions. This variant is not present in population databases (ExAC no frequency). This sequence change replaces alanine with proline at codon 2915 of the PLEC protein (p.Ala2915Pro). The alanine residue is highly conserved and there is a small physicochemical difference between alanine and proline.

NM_201384.3(PLEC):c.8662G>C (p.Ala2888Pro)

Gene: PLEC (plectin; minus strand). Cytogenetic location: 8q24.3.
Variant type: single nucleotide variant.
Coding change: c.8662G>C on transcript NM_201384.3 (MANE Select); coding-DNA position 8662, G replaced by C.
Protein change: p.Ala2888Pro; replaces alanine 2888 with proline.
Molecular consequence: missense variant.
Genome position (GRCh38, 1-based): chr8:143,921,159, C>G on the plus strand (G>C on the coding strand, the complement: PLEC is on the minus strand). VCF-style: chr8-143921159-C-G. GRCh37 (hg19) VCF-style: chr8-144995327-C-G.
Other names: c.8743G>C, p.Ala2915Pro (NM_000445.5); c.8620G>C, p.Ala2874Pro (NM_201378.4); c.8596G>C, p.Ala2866Pro (NM_201379.3); c.9073G>C, p.Ala3025Pro (NM_201380.4); c.8566G>C, p.Ala2856Pro (NM_201381.3); c.8662G>C, p.Ala2888Pro (NM_201382.4); c.8674G>C, p.Ala2892Pro (NM_201383.3); short protein forms A2856P, A2888P, A2892P, A2915P, A3025P, A2866P, A2874P.
Identifiers: ClinVar variation 837374 (VCV000837374.10), dbSNP rs1822520832, ClinGen allele CA372515594.